The following is an entry in ClinVar:

ClinVar aggregate classification (germline): Uncertain significance (1 of 4 stars; one submission).

Conditions:
Hereditary cancer-predisposing syndrome. Also called: Hereditary Cancer Syndrome; Hereditary neoplastic syndrome; Neoplastic Syndromes, Hereditary; Tumor predisposition. Identifiers: Orphanet 140162, MedGen C0027672, MeSH D009386, MONDO:0015356.

Submission:

Ambry Genetics
Classification: Uncertain significance for Hereditary cancer-predisposing syndrome. Last evaluated: 2025-09-08. Review status: criteria provided, single submitter. Criteria: Ambry Variant Classification Scheme 2023. Collection method: clinical testing. Allele origin: germline.
Comment: The p.N1093I variant (also known as c.3278A>T), located in coding exon 20 of the DICER1 gene, results from an A to T substitution at nucleotide position 3278. The asparagine at codon 1093 is replaced by isoleucine, an amino acid with dissimilar properties. This amino acid position is conserved. In addition, the in silico prediction for this alteration is inconclusive. Based on the available evidence, the clinical significance of this variant remains unclear.

NM_177438.3(DICER1):c.3278A>T (p.Asn1093Ile)

Gene: DICER1 (dicer 1, ribonuclease III; minus strand). Cytogenetic location: 14q32.13.
Variant type: single nucleotide variant.
Coding change: c.3278A>T on transcript NM_177438.3 (MANE Select); coding-DNA position 3278, A replaced by T.
Protein change: p.Asn1093Ile; replaces asparagine 1093 with isoleucine.
Molecular consequence: missense variant. On other transcripts: non-coding transcript variant (4).
Genome position (GRCh38, 1-based): chr14:95,104,118, T>A on the plus strand (A>T on the coding strand, the complement: DICER1 is on the minus strand). VCF-style: chr14-95104118-T-A. GRCh37 (hg19) VCF-style: chr14-95570455-T-A.
Other names: c.3278A>T, p.Asn1093Ile (NM_001395684.1, NM_001395692.1, NM_001395693.1 and 12 more transcripts); c.2996A>T, p.Asn999Ile (NM_001395686.1); c.2873A>T, p.Asn958Ile (NM_001395687.1, NM_001395688.1, NM_001395689.1 and 2 more transcripts); c.2711A>T, p.Asn904Ile (NM_001395691.1); c.1595A>T, p.Asn532Ile (NM_001395697.1); short protein forms N958I, N904I, N999I, N1093I, N532I.
Identifiers: ClinVar variation 4240543 (VCV004240543.1).